The following is an entry in ClinVar:

NM_000465.4(BARD1):c.527A>C (p.Gln176Pro)

Gene: BARD1 (BRCA1 associated RING domain 1; minus strand). Cytogenetic location: 2q35.
Variant type: single nucleotide variant.
Coding change: c.527A>C on transcript NM_000465.4 (MANE Select); coding-DNA position 527, A replaced by C.
Protein change: p.Gln176Pro; replaces glutamine 176 with proline.
Molecular consequence: missense variant. On other transcripts: non-coding transcript variant (2), intron variant (3).
Genome position (GRCh38, 1-based): chr2:214,781,347, T>G on the plus strand (A>C on the coding strand, the complement: BARD1 is on the minus strand). VCF-style: chr2-214781347-T-G. GRCh37 (hg19) VCF-style: chr2-215646071-T-G.
Other names: c.470A>C, p.Gln157Pro (NM_001282543.2); c.158+28065A>C (NM_001282548.2); c.215+15714A>C (NM_001282545.2); c.364+10950A>C (NM_001282549.2); c.527A>C (NM_000465.2); short protein forms Q176P, Q157P.
Identifiers: ClinVar variation 628638 (VCV000628638.12), dbSNP rs1559425948, ClinGen allele CA350457460.

ClinVar aggregate classification (germline): Uncertain significance. Review status: criteria provided, multiple submitters, no conflicts (2 of 4 stars). 3 submissions from 3 submitters: Uncertain significance (3). Last evaluated 2026-08-04.

Conditions:
Familial cancer of breast. Also called: hereditary breast carcinoma; BREAST CANCER, FAMILIAL; Hereditary breast cancer. Identifiers: Orphanet 227535, MedGen C0346153, MONDO:0016419, OMIM 114480. Disease mechanism: loss of function.
Hereditary cancer-predisposing syndrome. Also called: Neoplastic Syndromes, Hereditary; Hereditary Cancer Syndrome; Hereditary neoplastic syndrome; Tumor predisposition. Identifiers: Orphanet 140162, MedGen C0027672, MeSH D009386, MONDO:0015356.

Submissions (3):

Ambry Genetics
Classification: Uncertain significance for Hereditary cancer-predisposing syndrome. Last evaluated: 2026-08-04. Review status: criteria provided, single submitter. Criteria: Ambry Variant Classification Scheme 2023. Collection method: clinical testing. Allele origin: germline.
Comment: The p.Q176P variant (also known as c.527A>C), located in coding exon 4 of the BARD1 gene, results from an A to C substitution at nucleotide position 527. The glutamine at codon 176 is replaced by proline, an amino acid with similar properties. This amino acid position is conserved. In addition, this alteration is predicted to be tolerated by in silico analysis. Based on the available evidence, the clinical significance of this variant remains unclear.

Color Diagnostics, LLC DBA Color Health
Classification: Uncertain significance for Hereditary cancer-predisposing syndrome. Last evaluated: 2023-12-05. Review status: criteria provided, single submitter. Criteria: ACMG Guidelines, 2015. Collection method: clinical testing. Allele origin: germline.
Comment: This missense variant replaces glutamine with proline at codon 176 of the BARD1 protein. Computational prediction suggests that this variant may not impact protein structure and function (internally defined REVEL score threshold <= 0.5, PMID: 27666373). To our knowledge, functional studies have not been reported for this variant. This variant has not been reported in individuals affected with BARD1-related disorders in the literature. This variant has not been identified in the general population by the Genome Aggregation Database (gnomAD). The available evidence is insufficient to determine the role of this variant in disease conclusively. Therefore, this variant is classified as a Variant of Uncertain Significance.

Labcorp Genetics (formerly Invitae), Labcorp
Classification: Uncertain significance for Familial cancer of breast. Last evaluated: 2022-07-18. Review status: criteria provided, single submitter. Criteria: Invitae Variant Classification Sherloc (09022015). Collection method: clinical testing. Allele origin: germline.
Comment: In summary, the available evidence is currently insufficient to determine the role of this variant in disease. Therefore, it has been classified as a Variant of Uncertain Significance. Algorithms developed to predict the effect of missense changes on protein structure and function (SIFT, PolyPhen-2, Align-GVGD) all suggest that this variant is likely to be tolerated. ClinVar contains an entry for this variant (Variation ID: 628638). This variant has not been reported in the literature in individuals affected with BARD1-related conditions. This variant is not present in population databases (gnomAD no frequency). This sequence change replaces glutamine, which is neutral and polar, with proline, which is neutral and non-polar, at codon 176 of the BARD1 protein (p.Gln176Pro).